The following is an entry in ClinVar:

ClinVar aggregate classification (germline): Uncertain significance (1 of 4 stars; one submission).

Allele frequency attached by ClinVar (database versions not stated): gnomAD exomes below 0.00001; ExAC 0.00001.

Submission:

Labcorp Genetics (formerly Invitae), Labcorp
Classification: Uncertain significance. Last evaluated: 2021-07-21. Review status: criteria provided, single submitter. Criteria: Invitae Variant Classification Sherloc (09022015). Collection method: clinical testing. Allele origin: germline.
Comment: This sequence change replaces serine with threonine at codon 3054 of the ASPM protein (p.Ser3054Thr). The serine residue is moderately conserved and there is a small physicochemical difference between serine and threonine. This variant is present in population databases (rs757796113, ExAC 0.01%). This variant has not been reported in the literature in individuals affected with ASPM-related conditions. Algorithms developed to predict the effect of missense changes on protein structure and function (SIFT, PolyPhen-2, Align-GVGD) all suggest that this variant is likely to be tolerated. In summary, the available evidence is currently insufficient to determine the role of this variant in disease. Therefore, it has been classified as a Variant of Uncertain Significance.

NM_018136.5(ASPM):c.9160T>A (p.Ser3054Thr)

Gene: ASPM (assembly factor for spindle microtubules; minus strand). Cytogenetic location: 1q31.3.
Variant type: single nucleotide variant.
Coding change: c.9160T>A on transcript NM_018136.5 (MANE Select); coding-DNA position 9160, T replaced by A.
Protein change: p.Ser3054Thr; replaces serine 3054 with threonine.
Molecular consequence: missense variant.
Genome position (GRCh38, 1-based): chr1:197,093,186, A>T on the plus strand (T>A on the coding strand, the complement: ASPM is on the minus strand). VCF-style: chr1-197093186-A-T. GRCh37 (hg19) VCF-style: chr1-197062316-A-T.
Other names: c.4405T>A, p.Ser1469Thr (NM_001206846.2); short protein forms S3054T, S1469T.
Identifiers: ClinVar variation 1406527 (VCV001406527.8), dbSNP rs757796113, ClinGen allele CA1309027.